The following is an entry in ClinVar:

ClinVar aggregate classification (germline): Uncertain significance. Review status: criteria provided, multiple submitters, no conflicts (2 of 4 stars). 2 submissions from 2 submitters: Uncertain significance (2). Last evaluated 2021-12-15.

Conditions:
Mitochondrial complex I deficiency, nuclear type 4. Also called: Mitochondrial complex 1 deficiency, nuclear type 4. Identifiers: MedGen C4748753, MONDO:0032609, OMIM 618225.

Allele frequency attached by ClinVar (database versions not stated): TOPMed 0.00001; 1000 Genomes Project 30x 0.00016; 1000 Genomes Project 0.00020; gnomAD exomes below 0.00001; gnomAD 0.00001.
gnomAD v4.1: 13 of 1,614,068 alleles (0.00081%); highest among the groups gnomAD compares: East Asian, 0.0022%; no homozygotes.

Submissions (2):

Fulgent Genetics
Classification: Uncertain significance for Mitochondrial complex I deficiency, nuclear type 4. Last evaluated: 2021-12-15. Review status: criteria provided, single submitter. Criteria: ACMG Guidelines, 2015. Collection method: clinical testing. Allele origin: unknown.

Labcorp Genetics (formerly Invitae), Labcorp
Classification: Uncertain significance. Last evaluated: 2021-11-13. Review status: criteria provided, single submitter. Criteria: Invitae Variant Classification Sherloc (09022015). Collection method: clinical testing. Allele origin: germline.
Comment: This sequence change replaces isoleucine, which is neutral and non-polar, with valine, which is neutral and non-polar, at codon 363 of the NDUFV1 protein (p.Ile363Val). This variant is present in population databases (rs200270653, gnomAD 0.03%). This variant has not been reported in the literature in individuals affected with NDUFV1-related conditions. Advanced modeling of protein sequence and biophysical properties (such as structural, functional, and spatial information, amino acid conservation, physicochemical variation, residue mobility, and thermodynamic stability) performed at Invitae indicates that this missense variant is not expected to disrupt NDUFV1 protein function. In summary, the available evidence is currently insufficient to determine the role of this variant in disease. Therefore, it has been classified as a Variant of Uncertain Significance.

NM_007103.4(NDUFV1):c.1087A>G (p.Ile363Val)

Genes: NDUFV1 (NADH:ubiquinone oxidoreductase core subunit V1; plus strand), LOC126861242 (CDK7 strongly-dependent group 2 enhancer GRCh37_chr11:67379204-67380403; plus strand). Cytogenetic location: 11q13.2.
Variant type: single nucleotide variant.
Coding change: c.1087A>G on transcript NM_007103.4 (MANE Select); coding-DNA position 1087, A replaced by G.
Protein change: p.Ile363Val; replaces isoleucine 363 with valine.
Molecular consequence: missense variant.
Genome position (GRCh38, 1-based): chr11:67,611,903, A>G. VCF-style: chr11-67611903-A-G. GRCh37 (hg19) VCF-style: chr11-67379374-A-G.
Other names: c.1060A>G, p.Ile354Val (NM_001166102.2); short protein forms I354V, I363V.
Identifiers: ClinVar variation 1460879 (VCV001460879.4), dbSNP rs200270653, ClinGen allele CA6143403.